The following is an entry in ClinVar:

ClinVar aggregate classification (germline): Uncertain significance (1 of 4 stars; one submission).

Conditions:
Hereditary cancer-predisposing syndrome. Also called: Tumor predisposition; Hereditary Cancer Syndrome; Hereditary neoplastic syndrome; Neoplastic Syndromes, Hereditary. Identifiers: Orphanet 140162, MedGen C0027672, MeSH D009386, MONDO:0015356.

Submission:

Ambry Genetics
Classification: Uncertain significance for Hereditary cancer-predisposing syndrome. Last evaluated: 2024-03-18. Review status: criteria provided, single submitter. Criteria: Ambry Variant Classification Scheme 2023. Collection method: clinical testing. Allele origin: germline.
Comment: The p.L2072S variant (also known as c.6215T>C), located in coding exon 15 of the APC gene, results from a T to C substitution at nucleotide position 6215. The leucine at codon 2072 is replaced by serine, an amino acid with dissimilar properties. This amino acid position is conserved. In addition, in silico predictors for this gene do not accurately predict pathogenicity. Based on the available evidence, the clinical significance of this alteration remains unclear.

NM_000038.6(APC):c.6215T>C (p.Leu2072Ser)

Gene: APC (APC regulator of Wnt signaling pathway; plus strand). Cytogenetic location: 5q22.2.
Variant type: single nucleotide variant.
Coding change: c.6215T>C on transcript NM_000038.6 (MANE Select); coding-DNA position 6215, T replaced by C.
Protein change: p.Leu2072Ser; replaces leucine 2072 with serine.
Molecular consequence: missense variant. On other transcripts: non-coding transcript variant (2).
Genome position (GRCh38, 1-based): chr5:112,841,809, T>C. VCF-style: chr5-112841809-T-C. GRCh37 (hg19) VCF-style: chr5-112177506-T-C.
Other names: c.6215T>C, p.Leu2072Ser (NM_001127510.3, NM_001354895.2, NM_001407450.1); c.6161T>C, p.Leu2054Ser (NM_001127511.3); c.6269T>C, p.Leu2090Ser (NM_001354896.2, NM_001407447.1, NM_001407448.1 and 1 more transcripts); c.6245T>C, p.Leu2082Ser (NM_001354897.2); c.6140T>C, p.Leu2047Ser (NM_001354898.2); c.6131T>C, p.Leu2044Ser (NM_001354899.2); c.6092T>C, p.Leu2031Ser (NM_001354900.2); c.6038T>C, p.Leu2013Ser (NM_001354901.2, NM_001407453.1); and 11 more; short protein forms L1912S, L1981S, L1989S, L2062S, L2082S, L2031S, L2044S, L2047S.
Identifiers: ClinVar variation 3304160 (VCV003304160.1).